The following is an entry in ClinVar:

NM_001135998.3(NDUFB11):c.207+9C>T

Gene: NDUFB11 (NADH:ubiquinone oxidoreductase subunit B11; minus strand). Cytogenetic location: Xp11.3.
Variant type: single nucleotide variant.
Coding change: c.207+9C>T on transcript NM_001135998.3 (MANE Select); 9 bases into the intron after coding-DNA position 207, C replaced by T.
Molecular consequence: intron variant.
Genome position (GRCh38, 1-based): chrX:47,144,464, G>A on the plus strand (C>T on the coding strand, the complement: NDUFB11 is on the minus strand). VCF-style: chrX-47144464-G-A. GRCh37 (hg19) VCF-style: chrX-47003863-G-A.
Other names: c.207+9C>T (NM_019056.7).
Identifiers: ClinVar variation 3351811 (VCV003351811.1).

ClinVar aggregate classification (germline): Likely benign (0 of 4 stars; one submission).

Conditions:
NDUFB11-related disorders. Also called: NDUFB11-related condition; NDUFB11-related disorder. Identifiers: MedGen CN378754, MONDO:1040023.

Submission:

PreventionGenetics, part of Exact Sciences
Classification: Likely benign for NDUFB11-related condition. Last evaluated: 2024-04-11. Review status: no assertion criteria provided. Collection method: clinical testing. Allele origin: germline.
Comment: This variant is classified as likely benign based on ACMG/AMP sequence variant interpretation guidelines (Richards et al. 2015 PMID: 25741868, with internal and published modifications).